The following is an entry in ClinVar:

ClinVar aggregate classification (germline): Benign. Review status: criteria provided, multiple submitters, no conflicts (2 of 4 stars). 4 submissions from 4 submitters: Benign (4). Last evaluated 2023-11-12.

Conditions:
Autoimmune lymphoproliferative syndrome type 1. Also called: AUTOIMMUNE LYMPHOPROLIFERATIVE SYNDROME, TYPE I, AUTOSOMAL DOMINANT. Identifiers: Orphanet 3261, MedGen C2717884, MONDO:0011158, OMIM 601859.

Allele frequency attached by ClinVar (database versions not stated): 1000 Genomes Project 0.99581; gnomAD exomes 0.98624 and 0.99116; ExAC 0.99052; ESP Exome Variant Server 0.98693; gnomAD 0.99068 and 0.99043; TOPMed 0.99098; 1000 Genomes Project 30x 0.99547.
gnomAD v4.1: 1,586,145 of 1,607,482 alleles (99%); highest among the groups gnomAD compares: East Asian, 100%; 782,588 homozygotes.

Submissions (4):

Unidad de Genómica Garrahan, Hospital de Pediatría Garrahan
Classification: Benign. Last evaluated: 2023-11-12. Review status: criteria provided, single submitter. Criteria: ACMG Guidelines, 2015. Collection method: clinical testing. Allele origin: germline. Affected: no. Observed: 96 variant alleles.
Comment: This variant is classified as Benign based on local population frequency. This variant was detected in 100% of patients studied by a panel of primary immunodeficiencies. Number of patients: 96. Only high quality variants are reported.

Genome-Nilou Lab
Classification: Benign for Autoimmune lymphoproliferative syndrome type 1. Last evaluated: 2021-08-10. Review status: criteria provided, single submitter. Criteria: ACMG Guidelines, 2015. Collection method: clinical testing. Allele origin: germline. Affected: no.

GeneDx
Classification: Benign. Last evaluated: 2018-08-08. Review status: criteria provided, single submitter. Criteria: GeneDx Variant Classification Process June 2021. Collection method: clinical testing. Allele origin: germline. Affected: yes.

Breakthrough Genomics
Classification: Benign. Review status: criteria provided, single submitter. Criteria: ACMG Guidelines, 2015. Collection method: not provided. Allele origin: germline. Inheritance: Autosomal dominant inheritance. Affected: yes.

NM_000639.3(FASLG):c.452-28T>C

Gene: FASLG (Fas ligand; plus strand). Cytogenetic location: 1q24.3.
Variant type: single nucleotide variant.
Coding change: c.452-28T>C on transcript NM_000639.3 (MANE Select); 28 bases into the intron before coding-DNA position 452, T replaced by C.
Molecular consequence: intron variant.
Genome position (GRCh38, 1-based): chr1:172,665,594, T>C. VCF-style: chr1-172665594-T-C. GRCh37 (hg19) VCF-style: chr1-172634734-T-C.
Other names: c.*22-28T>C (NM_001302746.2).
Identifiers: ClinVar variation 1285255 (VCV001285255.5), dbSNP rs2639653, ClinGen allele CA1247579.
Genomic context (GRCh38, chr1:172,665,594, plus strand): 5'-AGGAAGGGCCCACAGTTTTGCCTTAGAAACTTAGTTTGTTGGATGCATGACTATTCCTTG[T>C]TGAAAGCTCCTTTTGGATTTATTTCAGGCAAGTCCAACTCAAGGTCCATGCCTCTGGAAT-3'